The following is an entry in ClinVar:

NM_152743.4(BRAT1):c.1421C>T (p.Thr474Met)

Gene: BRAT1 (BRCA1 associated ATM activator 1; minus strand). Cytogenetic location: 7p22.3.
Variant type: single nucleotide variant.
Coding change: c.1421C>T on transcript NM_152743.4 (MANE Select); coding-DNA position 1421, C replaced by T.
Protein change: p.Thr474Met; replaces threonine 474 with methionine.
Molecular consequence: missense variant. On other transcripts: non-coding transcript variant (1).
Genome position (GRCh38, 1-based): chr7:2,539,863, G>A on the plus strand (C>T on the coding strand, the complement: BRAT1 is on the minus strand). VCF-style: chr7-2539863-G-A. GRCh37 (hg19) VCF-style: chr7-2579497-G-A.
Other names: c.1421C>T, p.Thr474Met (NM_001350626.2); c.896C>T, p.Thr299Met (NM_001350627.2); short protein forms T474M, T299M.
Identifiers: ClinVar variation 472941 (VCV000472941.15), dbSNP rs148923187, ClinGen allele CA4127751.

ClinVar aggregate classification (germline): Conflicting classifications of pathogenicity. Review status: criteria provided, conflicting classifications (1 of 4 stars). 3 submissions from 3 submitters: Uncertain significance (2); Likely benign (1). Last evaluated 2026-01-05.

Conditions:
Neonatal-onset encephalopathy with rigidity and seizures. Also called: Lethal neonatal spasticity-epileptic encephalopathy syndrome. Identifiers: Orphanet 435845, MedGen C3281029, MONDO:0013784, OMIM 614498.
Inborn genetic diseases. Identifiers: MedGen C0950123, MeSH D030342.

Allele frequency attached by ClinVar (database versions not stated): ESP Exome Variant Server 0.00031; TOPMed 0.00034; 1000 Genomes Project 0.00040; gnomAD exomes 0.00003 and 0.00006; gnomAD 0.00028 and 0.00029; 1000 Genomes Project 30x 0.00031.
gnomAD v4.1: 92 of 1,589,544 alleles (0.0058%); highest among the groups gnomAD compares: African/African-American, 0.096%; no homozygotes.

Submissions (3):

Labcorp Genetics (formerly Invitae), Labcorp
Classification: Likely benign for Neonatal-onset encephalopathy with rigidity and seizures. Last evaluated: 2026-01-05. Review status: criteria provided, single submitter. Criteria: Invitae Variant Classification Sherloc (09022015). Collection method: clinical testing. Allele origin: germline.

Ambry Genetics
Classification: Uncertain significance for Inborn genetic diseases. Last evaluated: 2024-12-05. Review status: criteria provided, single submitter. Criteria: Ambry Variant Classification Scheme 2023. Collection method: clinical testing. Allele origin: germline.

GeneDx
Classification: Uncertain significance. Last evaluated: 2023-02-08. Review status: criteria provided, single submitter. Criteria: GeneDx Variant Classification Process June 2021. Collection method: clinical testing. Allele origin: germline. Affected: yes.
Comment: Has not been previously published as pathogenic or benign to our knowledge; In silico analysis supports that this missense variant does not alter protein structure/function